The following is an entry in ClinVar:

NM_017882.3(CLN6):c.746A>C (p.Lys249Thr)

Gene: CLN6 (CLN6 transmembrane ER protein; minus strand). Cytogenetic location: 15q23.
Variant type: single nucleotide variant.
Coding change: c.746A>C on transcript NM_017882.3 (MANE Select); coding-DNA position 746, A replaced by C.
Protein change: p.Lys249Thr; replaces lysine 249 with threonine.
Molecular consequence: missense variant.
Genome position (GRCh38, 1-based): chr15:68,208,330, T>G on the plus strand (A>C on the coding strand, the complement: CLN6 is on the minus strand). VCF-style: chr15-68208330-T-G. GRCh37 (hg19) VCF-style: chr15-68500668-T-G.
Other names: c.842A>C, p.Lys281Thr (NM_001411068.1); short protein forms K249T, K281T.
Identifiers: ClinVar variation 2089527 (VCV002089527.1), dbSNP rs1567094654, ClinGen allele CA392972046.

ClinVar aggregate classification (germline): Uncertain significance (1 of 4 stars; one submission).

Conditions:
Neuronal ceroid lipofuscinosis. Also called: Neuronal Ceroid Lipofuscinoses. Identifiers: Orphanet 216, Orphanet 79263, MedGen C0027877, MONDO:0016295. Disease mechanism: loss of function.

Submission:

Labcorp Genetics (formerly Invitae), Labcorp
Classification: Uncertain significance for Neuronal ceroid lipofuscinosis. Last evaluated: 2022-01-26. Review status: criteria provided, single submitter. Criteria: Invitae Variant Classification Sherloc (09022015). Collection method: clinical testing. Allele origin: germline.
Comment: This sequence change replaces lysine, which is basic and polar, with threonine, which is neutral and polar, at codon 249 of the CLN6 protein (p.Lys249Thr). This variant is not present in population databases (gnomAD no frequency). This variant has not been reported in the literature in individuals affected with CLN6-related conditions. Algorithms developed to predict the effect of missense changes on protein structure and function are either unavailable or do not agree on the potential impact of this missense change (SIFT: "Deleterious"; PolyPhen-2: "Benign"; Align-GVGD: "Class C0"). In summary, the available evidence is currently insufficient to determine the role of this variant in disease. Therefore, it has been classified as a Variant of Uncertain Significance.